The following is an entry in ClinVar:

ClinVar aggregate classification (germline): Uncertain significance (1 of 4 stars; one submission).

Conditions:
Spastic paraplegia. Identifiers: MedGen C0037772, HP:0001258.

Submission:

Labcorp Genetics (formerly Invitae), Labcorp
Classification: Uncertain significance for Spastic paraplegia. Last evaluated: 2021-05-28. Review status: criteria provided, single submitter. Criteria: Invitae Variant Classification Sherloc (09022015). Collection method: clinical testing. Allele origin: germline.
Comment: This variant has not been reported in the literature in individuals with KIF5A-related conditions. This variant is not present in population databases (ExAC no frequency). This sequence change replaces glutamic acid with aspartic acid at codon 419 of the KIF5A protein (p.Glu419Asp). The glutamic acid residue is highly conserved and there is a small physicochemical difference between glutamic acid and aspartic acid. Advanced modeling of protein sequence and biophysical properties (such as structural, functional, and spatial information, amino acid conservation, physicochemical variation, residue mobility, and thermodynamic stability) performed at Invitae indicates that this missense variant is not expected to disrupt KIF5A protein function. In summary, the available evidence is currently insufficient to determine the role of this variant in disease. Therefore, it has been classified as a Variant of Uncertain Significance.

NM_004984.4(KIF5A):c.1257G>T (p.Glu419Asp)

Gene: KIF5A (kinesin family member 5A; plus strand). Cytogenetic location: 12q13.3.
Variant type: single nucleotide variant.
Coding change: c.1257G>T on transcript NM_004984.4 (MANE Select); coding-DNA position 1257, G replaced by T.
Protein change: p.Glu419Asp; replaces glutamic acid 419 with aspartic acid.
Molecular consequence: missense variant.
Genome position (GRCh38, 1-based): chr12:57,570,126, G>T. VCF-style: chr12-57570126-G-T. GRCh37 (hg19) VCF-style: chr12-57963909-G-T.
Other names: c.990G>T, p.Glu330Asp (NM_001354705.2); short protein forms E419D, E330D.
Identifiers: ClinVar variation 1397902 (VCV001397902.8), dbSNP rs781663145, ClinGen allele CA385504376.